The following is an entry in ClinVar:

ClinVar aggregate classification (germline): Likely benign. Review status: criteria provided, multiple submitters, no conflicts (2 of 4 stars). 3 submissions from 3 submitters: Likely benign (2). 1 of the submissions does not count toward it. Last evaluated 2025-11-13.

Conditions:
Compton-North congenital myopathy (CMYO12). Identifiers: Orphanet 210163, MedGen C2675527, MONDO:0012929, OMIM 612540.
CNTN1-related disorder. Also called: CNTN1-related condition.

Allele frequency attached by ClinVar (database versions not stated): ExAC 0.00002; gnomAD 0.00002 and 0.00003; TOPMed 0.00002.
gnomAD v4.1: 19 of 1,612,706 alleles (0.0012%); highest among the groups gnomAD compares: Non-Finnish European, 0.0016%; no homozygotes.

Submissions (3):

Labcorp Genetics (formerly Invitae), Labcorp
Classification: Likely benign for Compton-North congenital myopathy. Last evaluated: 2025-11-13. Review status: criteria provided, single submitter. Criteria: Invitae Variant Classification Sherloc (09022015). Collection method: clinical testing. Allele origin: germline.

GeneDx
Classification: Likely benign. Last evaluated: 2019-07-03. Review status: criteria provided, single submitter. Criteria: GeneDx Variant Classification Process June 2021. Collection method: clinical testing. Allele origin: germline. Affected: yes.

PreventionGenetics, part of Exact Sciences
Classification: Likely benign for CNTN1-related condition. Last evaluated: 2020-05-21. Review status: no assertion criteria provided. Collection method: clinical testing. Allele origin: germline. Not counted in ClinVar's aggregate classification.
Comment: This variant is classified as likely benign based on ACMG/AMP sequence variant interpretation guidelines (Richards et al. 2015 PMID: 25741868, with internal and published modifications).

NM_001843.4(CNTN1):c.882T>C (p.Val294=)

Gene: CNTN1 (contactin 1; plus strand). Cytogenetic location: 12q12.
Variant type: single nucleotide variant.
Coding change: c.882T>C on transcript NM_001843.4 (MANE Select); coding-DNA position 882, T replaced by C.
Protein change: p.Val294=; no amino-acid change (valine 294 retained).
Molecular consequence: synonymous variant.
Genome position (GRCh38, 1-based): chr12:40,933,775, T>C. VCF-style: chr12-40933775-T-C. GRCh37 (hg19) VCF-style: chr12-41327577-T-C.
Other names: c.882T>C, p.Val294= (NM_001256063.2, NM_001256064.2); c.849T>C, p.Val283= (NM_175038.2).
Identifiers: ClinVar variation 668512 (VCV000668512.12), dbSNP rs760650497, ClinGen allele CA6516735.